The following is an entry in ClinVar:

NM_015001.3(SPEN):c.8240C>T (p.Thr2747Ile)

Gene: SPEN (spen family transcriptional repressor; plus strand). Cytogenetic location: 1p36.13.
Variant type: single nucleotide variant.
Coding change: c.8240C>T on transcript NM_015001.3 (MANE Select); coding-DNA position 8240, C replaced by T.
Protein change: p.Thr2747Ile; replaces threonine 2747 with isoleucine.
Molecular consequence: missense variant.
Genome position (GRCh38, 1-based): chr1:15,934,480, C>T. VCF-style: chr1-15934480-C-T. GRCh37 (hg19) VCF-style: chr1-16260975-C-T.
Other names: short protein forms T2747I.
Identifiers: ClinVar variation 4875431 (VCV004875431.2).

ClinVar aggregate classification (germline): Uncertain significance (1 of 4 stars; one submission).

Submission:

CeGaT Center for Human Genetics Tuebingen
Classification: Uncertain significance. Last evaluated: 2026-06-01. Review status: criteria provided, single submitter. Criteria: CeGaT Center For Human Genetics Tuebingen Variant Classification Criteria Version 2. Collection method: clinical testing. Allele origin: germline. Affected: yes. Observed: 1 variant allele.
Comment: SPEN: PM2